The following is an entry in ClinVar:

NM_000466.3(PEX1):c.456C>G (p.Tyr152Ter)

Gene: PEX1 (peroxisomal biogenesis factor 1; minus strand). Cytogenetic location: 7q21.2.
Variant type: single nucleotide variant.
Coding change: c.456C>G on transcript NM_000466.3 (MANE Select); coding-DNA position 456, C replaced by G.
Protein change: p.Tyr152Ter; replaces tyrosine 152 with a stop codon.
Molecular consequence: nonsense. On other transcripts: 5 prime UTR variant (1).
Genome position (GRCh38, 1-based): chr7:92,518,157, G>C on the plus strand (C>G on the coding strand, the complement: PEX1 is on the minus strand). VCF-style: chr7-92518157-G-C. GRCh37 (hg19) VCF-style: chr7-92147471-G-C.
Other names: c.456C>G, p.Tyr152Ter (NM_001282677.2); c.-169C>G (NM_001282678.2); short protein forms Y152*.
Identifiers: ClinVar variation 5011582 (VCV005011582.1).

ClinVar aggregate classification (germline): Pathogenic (1 of 4 stars; one submission).

Conditions:
Peroxisome biogenesis disorder. Identifiers: Orphanet 79189, MedGen C1832200, MONDO:0019234. Disease mechanism: loss of function.

Submission:

Myriad Genetics, Inc.
Classification: Pathogenic for Peroxisome biogenesis disorder. Last evaluated: 2023-09-05. Review status: criteria provided, single submitter. Criteria: Myriad Autosomal Dominant, Autosomal Recessive and X-Linked Classification Criteria (2023). Collection method: clinical testing. Allele origin: unknown.
Comment: NM_000466.2(PEX1):c.456C>G(Y152*) is expected to be pathogenic in the context of peroxisome biogenesis disorder type 1. This variant is predicted to lead to an abnormal or absent protein product due to the creation of a premature termination codon in PEX1, a gene where loss-of-function variants are known to be pathogenic. Please note: this variant was assessed in the context of healthy population screening.